The following is an entry in ClinVar:

ClinVar aggregate classification (germline): Uncertain significance. Review status: criteria provided, multiple submitters, no conflicts (2 of 4 stars). 2 submissions from 2 submitters: Uncertain significance (2). Last evaluated 2022-10-03.

Submissions (2):

Blueprint Genetics
Classification: Uncertain significance. Last evaluated: 2022-10-03. Review status: criteria provided, single submitter. Criteria: ACMG Guidelines, 2015. Collection method: clinical testing. Allele origin: germline.

Labcorp Genetics (formerly Invitae), Labcorp
Classification: Uncertain significance. Last evaluated: 2022-07-12. Review status: criteria provided, single submitter. Criteria: Invitae Variant Classification Sherloc (09022015). Collection method: clinical testing. Allele origin: germline.
Comment: This variant, c.2418_2426del, results in the deletion of 3 amino acid(s) of the COL18A1 protein (p.Phe807_Gly809del), but otherwise preserves the integrity of the reading frame. This variant is present in population databases (rs773480538, gnomAD 0.03%). This variant has not been reported in the literature in individuals affected with COL18A1-related conditions. ClinVar contains an entry for this variant (Variation ID: 1427712). Experimental studies and prediction algorithms are not available or were not evaluated, and the functional significance of this variant is currently unknown. In summary, the available evidence is currently insufficient to determine the role of this variant in disease. Therefore, it has been classified as a Variant of Uncertain Significance.

NM_001379500.1(COL18A1):c.2418_2426del (p.Phe807_Gly809del)

Gene: COL18A1 (collagen type XVIII alpha 1 chain; plus strand). Cytogenetic location: 21q22.3.
Variant type: Deletion.
Coding change: c.2418_2426del on transcript NM_001379500.1 (MANE Select); coding-DNA positions 2418 to 2426, 9 bases deleted (CTTTCCTGG; older notation c.2418_2426delCTTTCCTGG).
Protein change: p.Phe807_Gly809del.
Molecular consequence: inframe deletion.
Genome position (GRCh38, 1-based): chr21:45,494,900-45,494,908, CTTTCCTGG deleted; deleting any 9 consecutive bases within chr21:45,494,897-45,494,908 gives the same sequence; the c. name uses the placement nearest the transcript's 3' end. VCF-style (leftmost placement, unchanged base first): chr21-45494896-TTGGCTTTCC-T. GRCh37 (hg19) VCF-style: chr21-46914810-TTGGCTTTCC-T.
Other names: c.2958_2966del, p.Phe987_Gly989del (NM_030582.4); c.3663_3671del, p.Phe1222_Gly1224del (NM_130444.3).
Identifiers: ClinVar variation 1427712 (VCV001427712.4), dbSNP rs773480538, ClinGen allele CA10067077.
Genomic context (GRCh38, chr21:45,494,896, plus strand): 5'-TAAGCCTGGCCCCCTTCCTCTTGCAGGGTCCATACGGACGGCCGGGGTACAAGGGAGAGA[TTGGCTTTCC>T]TGGACGGCCGGTGAGGACCTGGGGTCTCCAGTGGGGGCGGCAGATGGGGTCTGGCAGGTG-3'